The following is an entry in ClinVar:

ClinVar aggregate classification (germline): Uncertain significance. Review status: criteria provided, multiple submitters, no conflicts (2 of 4 stars). 3 submissions from 3 submitters: Uncertain significance (3). Last evaluated 2020-10-08.

Conditions:
Hereditary cancer-predisposing syndrome. Also called: Neoplastic Syndromes, Hereditary; Hereditary Cancer Syndrome; Tumor predisposition; Hereditary neoplastic syndrome. Identifiers: Orphanet 140162, MedGen C0027672, MeSH D009386, MONDO:0015356.
Ataxia-telangiectasia syndrome (AT). Also called: Ataxia-telangiectasia, complementation group D; AT, COMPLEMENTATION GROUP C; Ataxia-telangiectasia; ATAXIA-TELANGIECTASIA, COMPLEMENTATION GROUP A; ATAXIA-TELANGIECTASIA, FRESNO VARIANT; Ataxia-telangiectasia, complementation group E. Identifiers: Orphanet 100, MedGen C0004135, MONDO:0008840, OMIM 208900.

Submissions (3):

Labcorp Genetics (formerly Invitae), Labcorp
Classification: Uncertain significance for Ataxia-telangiectasia syndrome. Last evaluated: 2020-10-08. Review status: criteria provided, single submitter. Criteria: Invitae Variant Classification Sherloc (09022015). Collection method: clinical testing. Allele origin: germline.
Comment: In summary, the available evidence is currently insufficient to determine the role of this variant in disease. Therefore, it has been classified as a Variant of Uncertain Significance. Algorithms developed to predict the effect of missense changes on protein structure and function do not agree on the potential impact of this missense change (SIFT: "Tolerated"; PolyPhen-2: "Possibly Damaging"; Align-GVGD: "Class C0"). This variant has not been reported in the literature in individuals with ATM-related disease. ClinVar contains an entry for this variant (Variation ID: 127441). This variant is not present in population databases (ExAC no frequency). This sequence change replaces alanine with proline at codon 2451 of the ATM protein (p.Ala2451Pro). The alanine residue is moderately conserved and there is a small physicochemical difference between alanine and proline.

Ambry Genetics
Classification: Uncertain significance for Hereditary cancer-predisposing syndrome. Last evaluated: 2019-10-09. Review status: criteria provided, single submitter. Criteria: Ambry Variant Classification Scheme 2023. Collection method: clinical testing. Allele origin: germline.
Comment: The p.A2451P variant (also known as c.7351G>C), located in coding exon 49 of the ATM gene, results from a G to C substitution at nucleotide position 7351. The alanine at codon 2451 is replaced by proline, an amino acid with highly similar properties. This amino acid position is well conserved in available vertebrate species. In addition, the in silico prediction for this alteration is inconclusive. Since supporting evidence is limited at this time, the clinical significance of this alteration remains unclear.

GeneDx
Classification: Uncertain significance. Last evaluated: 2014-02-19. Review status: criteria provided, single submitter. Criteria: GeneDx Variant Classification (06012015). Collection method: clinical testing. Allele origin: germline. Affected: yes.
Comment: An ATM variant displaying apparent mosaicism was detected, meaning the variant was detected in some, but not all, cells. This variant is denoted ATM c.7351G>C at the cDNA level, p.Ala2451Pro (A2451P) at the protein level, and results in the change of an Alanine to a Proline (GCC>CCC). This variant has not, to our knowledge, been published in the literature as pathogenic or benign. ATM Ala2451Pro was not observed in approximately 6,500 individuals of European and African American ancestry in the NHLBI Exome Sequencing Project, indicating it is not a common benign variant in these populations. This variant is a semi-conservative amino acid substitution, altering a position that is well conserved throughout evolution and is located in the FAT domain (UniProt). Multiple in silico algorithms predict that this variant may be damaging to protein structure and function. Based on the currently available information, we consider ATM Ala2451Pro to be a variant of uncertain significance. This variant appears to be mosaic, as the variant allele was present but underrepresented in comparison to the normal allele. This result was confirmed using alternate, non-overlapping primers, making it unlikely that this result is due to uneven DNA amplification. Therefore, this variant is interpreted to be present in some, but not all, cells in this peripheral blood specimen. Neither Sanger nor Next Generation sequencing is a quantitative test; thus, it is not possible to determine more precisely the level of mosaicism in this specimen. Moreover, the level of mosaicism may be different in other tissues. As somatic mosaicism generally results from a post-zygotic event, parents and siblings are not likely at risk to carry this mosaic variant. Germline mosaicism and transmission to the offspring of this patient, however, cannot be excluded.

NM_000051.4(ATM):c.7351G>C (p.Ala2451Pro)

Genes: C11orf65 (chromosome 11 open reading frame 65; minus strand), ATM (ATM serine/threonine kinase; plus strand). Cytogenetic location: 11q22.3.
Variant type: single nucleotide variant.
Coding change: c.7351G>C on transcript NM_000051.4 (MANE Select); coding-DNA position 7351, G replaced by C.
Protein change: p.Ala2451Pro; replaces alanine 2451 with proline.
Molecular consequence: missense variant. On other transcripts: intron variant (2).
Genome position (GRCh38, 1-based): chr11:108,330,257, G>C. VCF-style: chr11-108330257-G-C. GRCh37 (hg19) VCF-style: chr11-108200984-G-C.
Other names: p.A2451P:GCC>CCC; c.7351G>C, p.Ala2451Pro (NM_001351834.2); c.641-21186C>G (NM_001330368.2); c.*38+4963C>G (NM_001351110.2); short protein forms A2451P.
Identifiers: ClinVar variation 127441 (VCV000127441.14), dbSNP rs587779862, ClinGen allele CA286978.
Genomic context (GRCh38, chr11:108,330,257, plus strand): 5'-TAATTATTCTATGCAAGATACACAGTAAAGGTTCAGCGAGAGCTGGAGTTGGATGAATTA[G>C]CCCTGCGTGCACTGAAAGAGGATCGTAAACGCTTCTTATGTAAAGCAGTTGAAAATTATA-3'
Protein context (NP_000042.3, residues 2441-2461): VQRELELDEL[Ala2451Pro]LRALKEDRKR